The following is an entry in ClinVar:

NM_018718.3(CEP41):c.353A>G (p.Gln118Arg)

Gene: CEP41 (centrosomal protein 41; minus strand). Cytogenetic location: 7q32.2.
Variant type: single nucleotide variant.
Coding change: c.353A>G on transcript NM_018718.3 (MANE Select); coding-DNA position 353, A replaced by G.
Protein change: p.Gln118Arg; replaces glutamine 118 with arginine.
Molecular consequence: missense variant.
Genome position (GRCh38, 1-based): chr7:130,404,633, T>C on the plus strand (A>G on the coding strand, the complement: CEP41 is on the minus strand). VCF-style: chr7-130404633-T-C. GRCh37 (hg19) VCF-style: chr7-130044474-T-C.
Other names: c.353A>G, p.Gln118Arg (NM_001257158.2); c.305A>G, p.Gln102Arg (NM_001257159.2); short protein forms Q102R, Q118R.
Identifiers: ClinVar variation 1345573 (VCV001345573.8), dbSNP rs782235279, ClinGen allele CA4485599.

ClinVar aggregate classification (germline): Uncertain significance (1 of 4 stars; one submission).

Conditions:
Joubert syndrome 15 (JBTS15). Identifiers: Orphanet 475, MedGen C3280897, MONDO:0013763, OMIM 614464.

Allele frequency attached by ClinVar (database versions not stated): gnomAD exomes below 0.00001; ExAC 0.00001.
gnomAD v4.1: 3 of 1,613,678 alleles (0.00019%); highest among the groups gnomAD compares: East Asian, 0.0022%; no homozygotes.

Submission:

Labcorp Genetics (formerly Invitae), Labcorp
Classification: Uncertain significance for Joubert syndrome 15. Last evaluated: 2022-02-04. Review status: criteria provided, single submitter. Criteria: Invitae Variant Classification Sherloc (09022015). Collection method: clinical testing. Allele origin: germline.
Comment: In summary, the available evidence is currently insufficient to determine the role of this variant in disease. Therefore, it has been classified as a Variant of Uncertain Significance. Algorithms developed to predict the effect of missense changes on protein structure and function (SIFT, PolyPhen-2, Align-GVGD) all suggest that this variant is likely to be tolerated. This variant has not been reported in the literature in individuals affected with CEP41-related conditions. This variant is not present in population databases (gnomAD no frequency). This sequence change replaces glutamine, which is neutral and polar, with arginine, which is basic and polar, at codon 118 of the CEP41 protein (p.Gln118Arg).